The following is an entry in ClinVar:

ClinVar aggregate classification (germline): Pathogenic. Review status: criteria provided, multiple submitters, no conflicts (2 of 4 stars). 15 submissions from 15 submitters: Pathogenic (11). 4 of the submissions do not count toward it. Last evaluated 2025-08-15.

Conditions:
Methylmalonic aciduria due to complete methylmalonyl-CoA mutase deficiency.
MMUT-related disorder. Also called: MMUT-related condition.
Methylmalonic acidemia (MMA). Also called: Isolated Methylmalonic Acidemia. Identifiers: MedGen C0268583, MeSH C537358, MONDO:0002012, HP:0002912.
Methylmalonic aciduria due to methylmalonyl-CoA mutase deficiency (MAMM). Also called: Methylmalonic aciduria, mut type. Identifiers: Orphanet 27, MedGen C1855114, MONDO:0009612, OMIM 251000.
METHYLMALONIC ACIDURIA, mut(0) TYPE. Identifiers: MedGen C1855115, OMIM 251000.

Allele frequency attached by ClinVar (database versions not stated): ExAC 0.00006; 1000 Genomes Project 30x 0.00016; gnomAD exomes 0.00003 and 0.00006; gnomAD 0.00004 and 0.00005; TOPMed 0.00001; 1000 Genomes Project 0.00020.
gnomAD v4.1: 54 of 1,614,118 alleles (0.0033%); highest among the groups gnomAD compares: South Asian, 0.0022%; no homozygotes.

Submissions (15):

Natera, Inc.
Classification: Pathogenic for Methylmalonic aciduria due to complete methylmalonyl-CoA mutase deficiency. Last evaluated: 2025-08-15. Review status: criteria provided, single submitter. Criteria: Natera Variant Classification Schema (03/2026). Collection method: clinical testing. Allele origin: germline.
Comment: The c.278G>A variant in MMUT is a missense variant predicted to cause substitution of arginine to histidine at amino acid 93. This variant is rare in the general population with a frequency below the threshold expected for the associated phenotype(s). This variant has been observed in one or more individuals affected with the associated recessive disease, as either homozygous or compound heterozygous with a second variant (PMID: 33413471, 27233228, 16281286). Given the available evidence, this variant is classified as Pathogenic.

Victorian Clinical Genetics Services, Murdoch Childrens Research Institute
Classification: Pathogenic for Methylmalonic aciduria due to methylmalonyl-CoA mutase deficiency. Last evaluated: 2024-10-10. Review status: criteria provided, single submitter. Criteria: ACMG Guidelines, 2015. Collection method: clinical testing. Allele origin: germline. Inheritance: Autosomal recessive inheritance. Affected: yes.
Comment: Based on the classification scheme VCGS_Germline_v1.3.5, this variant is classified as Pathogenic. Following criteria are met: 0102 - Loss of function is a known mechanism of disease in this gene and is associated with methylmalonic aciduria, mut(0) type (MIM#251000). (I) 0106 - This gene is associated with autosomal recessive disease. (I) 0200 - Variant is predicted to result in a missense amino acid change from arginine to histidine. (I) 0251 - This variant is heterozygous. (I) 0304 - Variant is present in gnomAD (v4) <0.01 for a recessive condition (54 heterozygotes, 0 homozygotes). (SP) 0309 - Multiple alternative amino acid changes at the same position have been observed in gnomAD (v4) (highest allele count: 86 heterozygotes, 0 homozygotes). (I) 0501 - Missense variant consistently predicted to be damaging by multiple in silico tools or highly conserved with a major amino acid change. (SP) 0600 - Variant is located in the annotated methylmalonyl-CoA mutase domain (DECIPHER). (I) 0801 - This variant has strong previous evidence of pathogenicity in unrelated individuals. This variant has been reported as pathogenic by multiple clinical laboratories in ClinVar, and has also been reported as compound heterozygous and homozygous in individuals with methylmalonic acidaemia in the literature (PMIDs: 26615597, 38455531). (SP) 1208 - Inheritance information for this variant is not currently available in this individual. (I) Legend: (SP) - Supporting pathogenic, (I) - Information, (SB) - Supporting benign

Genomic Medicine Center of Excellence, King Faisal Specialist Hospital and Research Centre
Classification: Pathogenic for Methylmalonic aciduria due to methylmalonyl-CoA mutase deficiency. Last evaluated: 2024-03-17. Review status: criteria provided, single submitter. Criteria: ACMG Guidelines, 2015. Collection method: research. Allele origin: germline.

Labcorp Genetics (formerly Invitae), Labcorp
Classification: Pathogenic. Last evaluated: 2024-02-02. Review status: criteria provided, single submitter. Criteria: Invitae Variant Classification Sherloc (09022015). Collection method: clinical testing. Allele origin: germline.
Comment: This sequence change replaces arginine, which is basic and polar, with histidine, which is basic and polar, at codon 93 of the MUT protein (p.Arg93His). This variant is present in population databases (rs121918251, gnomAD 0.04%). This missense change has been observed in individuals with methylmalonic aciduria (PMID: 1670635, 16281286, 16490061). ClinVar contains an entry for this variant (Variation ID: 1880). Advanced modeling of protein sequence and biophysical properties (such as structural, functional, and spatial information, amino acid conservation, physicochemical variation, residue mobility, and thermodynamic stability) performed at Invitae indicates that this missense variant is expected to disrupt MUT protein function with a positive predictive value of 95%. Experimental studies have shown that this missense change affects MUT function (PMID: 1670635, 7912889, 16281286). For these reasons, this variant has been classified as Pathogenic.

Revvity Omics, Revvity
Classification: Pathogenic for Methylmalonic aciduria due to methylmalonyl-CoA mutase deficiency. Last evaluated: 2023-05-31. Review status: criteria provided, single submitter. Criteria: ACMG Guidelines, 2015. Collection method: clinical testing. Allele origin: germline.

GeneDx
Classification: Pathogenic. Last evaluated: 2023-01-24. Review status: criteria provided, single submitter. Criteria: GeneDx Variant Classification Process June 2021. Collection method: clinical testing. Allele origin: germline. Affected: yes.
Comment: Published functional studies demonstrate a damaging effect on propionate incorporation and protein function (Raff ML et al, 1991; Crane et al., 1994); In silico analysis supports that this missense variant has a deleterious effect on protein structure/function; This variant is associated with the following publications: (PMID: 33413471, 33726816, 1670635, 31523617, 31622506, 16281286, 7912889, 16490061)

Fulgent Genetics
Classification: Pathogenic for Methylmalonic aciduria due to methylmalonyl-CoA mutase deficiency. Last evaluated: 2022-04-02. Review status: criteria provided, single submitter. Criteria: ACMG Guidelines, 2015. Collection method: clinical testing. Allele origin: unknown.

Centre for Inherited Metabolic Diseases, Karolinska University Hospital
Classification: Pathogenic for Methylmalonic aciduria due to methylmalonyl-CoA mutase deficiency. Last evaluated: 2021-03-12. Review status: criteria provided, single submitter. Criteria: ACMG Guidelines, 2015. Collection method: clinical testing. Allele origin: germline. Inheritance: Autosomal recessive inheritance. Affected: yes. Observed: 1 homozygote.

Women's Health and Genetics/Laboratory Corporation of America, LabCorp
Classification: Pathogenic for Methylmalonic acidemia. Last evaluated: 2018-09-03. Review status: criteria provided, single submitter. Criteria: LabCorp Variant Classification Summary - May 2015. Collection method: clinical testing. Allele origin: germline.
Comment: Variant summary: MUT c.278G>A (p.Arg93His) results in a non-conservative amino acid change located in the Methylmalonyl-CoA mutase catalytic alpha chain of the encoded protein sequence. Five of five in-silico tools predict a damaging effect of the variant on protein function. The variant allele was found at a frequency of 6.1e-05 in 277218 control chromosomes (gnomAD). This frequency is not significantly higher than expected for a pathogenic variant in MUT causing Methylmalonic Acidemia (6.1e-05 vs 0.0024), allowing no conclusion about variant significance. The variant, c.278G>A, has been reported in the literature in multiple homozygous individuals affected with Methylmalonic Acidemia (Imtiaz_2014). These data indicate that the variant is very likely to be associated with disease. The variant was reported in skin fibroblasts derived from a patient with neonatal methylmalonic aciduria, with no detectable methylmalonyl CoA mutase apoenzyme activity (Raff_1991). One clinical diagnostic laboratory has submitted clinical-significance assessments for this variant to ClinVar after 2014 without evidence for independent evaluation and classified the variant as pathogenic. Based on the evidence outlined above, the variant was classified as pathogenic.

Eurofins Ntd Llc (ga)
Classification: Pathogenic. Last evaluated: 2014-06-02. Review status: criteria provided, single submitter. Criteria: EGL Classification Definitions 2015. Collection method: clinical testing. Allele origin: germline. Observed: 2 variant alleles, 1 heterozygote, 1 homozygote.

Juno Genomics, Hangzhou Juno Genomics, Inc
Classification: Pathogenic for Methylmalonic aciduria due to methylmalonyl-CoA mutase deficiency. Review status: criteria provided, single submitter. Criteria: ACMG Guidelines, 2015. Collection method: clinical testing. Allele origin: germline.
Comment: Absent from controls (or at extremely low frequency if recessive) in Genome Aggregation Database.;Multiple lines of computational evidence support a deleterious effect on the gene or gene product.;For recessive disorders, detected in trans with a pathogenic variant.;Patient's phenotype or family history is highly specific for a disease with a single genetic etiology.

PreventionGenetics, part of Exact Sciences
Classification: Pathogenic for MMUT-related condition. Last evaluated: 2024-05-01. Review status: no assertion criteria provided. Collection method: clinical testing. Allele origin: germline. Not counted in ClinVar's aggregate classification.
Comment: The MMUT c.278G>A variant is predicted to result in the amino acid substitution p.Arg93His. This variant has been reported in the compound heterozygous or homozygous state in many unrelated individuals with methylmalonic aciduria (Raff et al. 1991. PubMed ID: 1670635; Worgan et al. 2006. PubMed ID: 16281286; Kang et al. 2019. PubMed ID: 31622506). Functional assays on patient fibroblasts indicate this variant reduces enzyme activity (Worgan et al. 2006. PubMed ID: 16281286). This variant is reported in 0.048% of alleles in individuals of European (Finnish) descent in gnomAD. In summary, this variant is interpreted as pathogenic.

OMIM
Classification: Pathogenic for METHYLMALONIC ACIDURIA, mut(0) TYPE. Last evaluated: 1991-01-01. Review status: no assertion criteria provided. Collection method: literature only. Allele origin: germline. Not counted in ClinVar's aggregate classification.

GeneReviews
No classification provided. Condition: Methylmalonic aciduria due to methylmalonyl-CoA mutase deficiency. Review status: no classification provided. Collection method: literature only. Allele origin: germline. Affected: yes. Not counted in ClinVar's aggregate classification.
Comment: mut0 enzymatic subtype

Pathology and Clinical Laboratory Medicine, King Fahad Medical City
Classification: Pathogenic for Methylmalonic aciduria due to methylmalonyl-CoA mutase deficiency. Review status: no assertion criteria provided. Criteria: ACMG Guidelines, 2015. Collection method: clinical testing. Allele origin: germline. Affected: yes. Not counted in ClinVar's aggregate classification.

Literature cited by the submitters: PubMed 33413471 (cited by Natera, Inc.); PubMed 27233228 (cited by Natera, Inc.); PubMed 16281286 (cited by Natera, Inc. and Labcorp Genetics (formerly Invitae), Labcorp); PubMed 26615597 (cited by Victorian Clinical Genetics Services, Murdoch Childrens Research Institute and Women's Health and Genetics/Laboratory Corporation of America, LabCorp); PubMed 38455531 (cited by Victorian Clinical Genetics Services, Murdoch Childrens Research Institute); PubMed 1670635 (cited by 4 submitters); PubMed 16490061 (cited by Labcorp Genetics (formerly Invitae), Labcorp); PubMed 7912889 (cited by Labcorp Genetics (formerly Invitae), Labcorp); Ledley, F. D., vanTuinen, P., Ledbetter, S. A., Ledbetter, D. Assignment of methylmalonyl CoA mutase locus to human chromosome 6. (Abstract) Cytogenet. Cell Genet. 46: 646-only, 1987. (cited by OMIM); NCBI Bookshelf NBK1231 (cited by GeneReviews).

NM_000255.4(MMUT):c.278G>A (p.Arg93His)

Gene: MMUT (methylmalonyl-CoA mutase; minus strand). Cytogenetic location: 6p12.3.
Variant type: single nucleotide variant.
Coding change: c.278G>A on transcript NM_000255.4 (MANE Select); coding-DNA position 278, G replaced by A.
Protein change: p.Arg93His; replaces arginine 93 with histidine.
Molecular consequence: missense variant.
Genome position (GRCh38, 1-based): chr6:49,459,189, C>T on the plus strand (G>A on the coding strand, the complement: MMUT is on the minus strand). VCF-style: chr6-49459189-C-T. GRCh37 (hg19) VCF-style: chr6-49426902-C-T.
Other names: short protein forms R93H.
Identifiers: ClinVar variation 1880 (VCV000001880.31), dbSNP rs121918251, ClinGen allele CA249728.